The following is an entry in ClinVar:

NM_000090.4(COL3A1):c.242T>C (p.Phe81Ser)

Gene: COL3A1 (collagen type III alpha 1 chain; plus strand). Cytogenetic location: 2q32.2.
Variant type: single nucleotide variant.
Coding change: c.242T>C on transcript NM_000090.4 (MANE Select); coding-DNA position 242, T replaced by C.
Protein change: p.Phe81Ser; replaces phenylalanine 81 with serine.
Molecular consequence: missense variant.
Genome position (GRCh38, 1-based): chr2:188,984,922, T>C. VCF-style: chr2-188984922-T-C. GRCh37 (hg19) VCF-style: chr2-189849648-T-C.
Other names: short protein forms F81S.
Identifiers: ClinVar variation 658009 (VCV000658009.11), dbSNP rs1576460785, ClinGen allele CA349847333.

ClinVar aggregate classification (germline): Uncertain significance. Review status: criteria provided, multiple submitters, no conflicts (2 of 4 stars). 2 submissions from 2 submitters: Uncertain significance (2). Last evaluated 2024-03-07.

Conditions:
Familial thoracic aortic aneurysm and aortic dissection (TAAD). Also called: Thoracic aortic aneurysms and dissections. Identifiers: Orphanet 91387, MedGen C4707243, MONDO:0019625.
Ehlers-Danlos syndrome, type 4 (EDSVASC). Also called: Ehlers-Danlos syndrome vascular type; Ehlers Danlos syndrome, ecchymotic type; Ehlers Danlos syndrome, arterial type; Ehlers Danlos syndrome, Sack-Barabas type; Ehlers-Danlos Syndrome Type IV. Identifiers: Orphanet 286, MedGen C0268338, MONDO:0017314, OMIM 130050.

Allele frequency attached by ClinVar (database versions not stated): gnomAD exomes below 0.00001.
gnomAD v4.1: 2 of 1,613,128 alleles (0.00012%); highest among the groups gnomAD compares: Non-Finnish European, 0.00017%; no homozygotes.

Submissions (2):

Color Diagnostics, LLC DBA Color Health
Classification: Uncertain significance for Familial thoracic aortic aneurysm and aortic dissection. Last evaluated: 2024-03-07. Review status: criteria provided, single submitter. Criteria: ACMG Guidelines, 2015. Collection method: clinical testing. Allele origin: germline.
Comment: This missense variant replaces phenylalanine with serine at codon 81 of the COL3A1 protein. Computational prediction suggests that this variant may not impact protein structure and function (internally defined REVEL score threshold <= 0.5, PMID: 27666373). To our knowledge, functional studies have not been reported for this variant. This variant has not been reported in individuals affected with cardiovascular disorders in the literature. This variant has not been identified in the general population by the Genome Aggregation Database (gnomAD). The available evidence is insufficient to determine the role of this variant in disease conclusively. Therefore, this variant is classified as a Variant of Uncertain Significance.

Labcorp Genetics (formerly Invitae), Labcorp
Classification: Uncertain significance for Ehlers-Danlos syndrome, type 4. Last evaluated: 2018-11-27. Review status: criteria provided, single submitter. Criteria: Invitae Variant Classification Sherloc (09022015). Collection method: clinical testing. Allele origin: germline.
Comment: In summary, the available evidence is currently insufficient to determine the role of this variant in disease. Therefore, it has been classified as a Variant of Uncertain Significance. Algorithms developed to predict the effect of missense changes on protein structure and function are either unavailable or do not agree on the potential impact of this missense change (SIFT: "Deleterious"; PolyPhen-2: "Not Available"; Align-GVGD: "Class C0"). This variant has not been reported in the literature in individuals with COL3A1-related conditions. This variant is not present in population databases (ExAC no frequency). This sequence change replaces phenylalanine with serine at codon 81 of the COL3A1 protein (p.Phe81Ser). The phenylalanine residue is moderately conserved and there is a large physicochemical difference between phenylalanine and serine.